The following is an entry in ClinVar:

NM_021927.3(GUF1):c.1936C>T (p.Leu646=)

Gene: GUF1 (GTP binding elongation factor GUF1; plus strand). Cytogenetic location: 4p12.
Variant type: single nucleotide variant.
Coding change: c.1936C>T on transcript NM_021927.3 (MANE Select); coding-DNA position 1936, C replaced by T.
Protein change: p.Leu646=; no amino-acid change (leucine 646 retained).
Molecular consequence: synonymous variant.
Genome position (GRCh38, 1-based): chr4:44,698,607, C>T. VCF-style: chr4-44698607-C-T. GRCh37 (hg19) VCF-style: chr4-44700624-C-T.
Other names: c.964C>T, p.Leu322= (NM_001345867.2, NM_001345869.2); c.1816C>T, p.Leu606= (NM_001345868.2).
Identifiers: ClinVar variation 731312 (VCV000731312.37), dbSNP rs190840356, ClinGen allele CA2905828.
Genomic context (GRCh38, chr4:44,698,607, plus strand): 5'-GGTGGTGATATTACCCGAAAAATGAAGCTTTTGAAGAGACAAGCAGAAGGGAAAAAAAAG[C>T]TGAGGAAAATTGGCAACGTTGAAGTTCCAAAAGATGCTTTTATAAAAGTTCTGAAAACAC-3'
Protein context (NP_068746.2, residues 636-656): LKRQAEGKKK[Leu646=]RKIGNVEVPK

ClinVar aggregate classification (germline): Likely benign. Review status: criteria provided, multiple submitters, no conflicts (2 of 4 stars). 3 submissions from 3 submitters: Likely benign (3). Last evaluated 2024-06-07.

Allele frequency attached by ClinVar (database versions not stated): gnomAD 0.00005; TOPMed 0.00005; gnomAD exomes 0.00006; ExAC 0.00007; 1000 Genomes Project 30x 0.00016; 1000 Genomes Project 0.00020.

Submissions (3):

Blueprint Genetics
Classification: Likely benign. Last evaluated: 2024-06-07. Review status: criteria provided, single submitter. Criteria: ACMG Guidelines, 2015. Collection method: clinical testing. Allele origin: germline.

Labcorp Genetics (formerly Invitae), Labcorp
Classification: Likely benign. Last evaluated: 2024-01-30. Review status: criteria provided, single submitter. Criteria: Invitae Variant Classification Sherloc (09022015). Collection method: clinical testing. Allele origin: germline.

CeGaT Center for Human Genetics Tuebingen
Classification: Likely benign. Last evaluated: 2023-03-01. Review status: criteria provided, single submitter. Criteria: CeGaT Center For Human Genetics Tuebingen Variant Classification Criteria Version 2. Collection method: clinical testing. Allele origin: germline. Affected: yes. Observed: 1 variant allele.
Comment: GUF1: BP4, BP7